The following is an entry in ClinVar:

ClinVar aggregate classification (germline): Uncertain significance (1 of 4 stars; one submission).

Allele frequency attached by ClinVar (database versions not stated): TOPMed below 0.00001.
gnomAD v4.1: 3 of 1,569,806 alleles (0.00019%); highest among the groups gnomAD compares: Non-Finnish European, 0.00026%; no homozygotes.

Submission:

Labcorp Genetics (formerly Invitae), Labcorp
Classification: Uncertain significance. Last evaluated: 2022-07-01. Review status: criteria provided, single submitter. Criteria: Invitae Variant Classification Sherloc (09022015). Collection method: clinical testing. Allele origin: germline.
Comment: This variant has not been reported in the literature in individuals affected with CHUK-related conditions. In summary, the available evidence is currently insufficient to determine the role of this variant in disease. Therefore, it has been classified as a Variant of Uncertain Significance. Experimental studies and prediction algorithms are not available or were not evaluated, and the functional significance of this variant is currently unknown. The frequency data for this variant in the population databases is considered unreliable, as metrics indicate poor data quality at this position in the gnomAD database. This sequence change replaces glycine, which is neutral and non-polar, with alanine, which is neutral and non-polar, at codon 10 of the CHUK protein (p.Gly10Ala).

NM_001278.5(CHUK):c.29G>C (p.Gly10Ala)

Genes: CHUK (component of inhibitor of nuclear factor kappa B kinase complex; minus strand), LOC130004523 (ATAC-STARR-seq lymphoblastoid silent region 2704; plus strand). Cytogenetic location: 10q24.31.
Variant type: single nucleotide variant.
Coding change: c.29G>C on transcript NM_001278.5 (MANE Select); coding-DNA position 29, G replaced by C.
Protein change: p.Gly10Ala; replaces glycine 10 with alanine.
Molecular consequence: missense variant.
Genome position (GRCh38, 1-based): chr10:100,229,504, C>G on the plus strand (G>C on the coding strand, the complement: CHUK is on the minus strand). VCF-style: chr10-100229504-C-G. GRCh37 (hg19) VCF-style: chr10-101989261-C-G.
Other names: c.29G>C, p.Gly10Ala (NM_001320928.2); short protein forms G10A.
Identifiers: ClinVar variation 1946354 (VCV001946354.5), dbSNP rs1243492982, ClinGen allele CA378157465.